The following is an entry in ClinVar:

NM_006904.7(PRKDC):c.8253A>T (p.Gln2751His)

Gene: PRKDC (protein kinase, DNA-activated, catalytic subunit; minus strand). Cytogenetic location: 8q11.21.
Variant type: single nucleotide variant.
Coding change: c.8253A>T on transcript NM_006904.7 (MANE Select); coding-DNA position 8253, A replaced by T.
Protein change: p.Gln2751His; replaces glutamine 2751 with histidine.
Molecular consequence: missense variant.
Genome position (GRCh38, 1-based): chr8:47,831,826, T>A on the plus strand (A>T on the coding strand, the complement: PRKDC is on the minus strand). VCF-style: chr8-47831826-T-A. GRCh37 (hg19) VCF-style: chr8-48744387-T-A.
Other names: c.8253A>T, p.Gln2751His (NM_001081640.2); short protein forms Q2751H.
Identifiers: ClinVar variation 2806842 (VCV002806842.3), dbSNP rs2087884661, ClinGen allele CA371147557.

ClinVar aggregate classification (germline): Uncertain significance (1 of 4 stars; one submission).

Conditions:
Severe combined immunodeficiency due to DNA-PKcs deficiency. Also called: IMMUNODEFICIENCY 26 WITH NEUROLOGIC ABNORMALITIES; Immunodeficiency 26 with or without neurologic abnormalities. Identifiers: Orphanet 317425, MedGen C4014833, MONDO:0014423, OMIM 615966.

Submission:

Labcorp Genetics (formerly Invitae), Labcorp
Classification: Uncertain significance for Severe combined immunodeficiency due to DNA-PKcs deficiency. Last evaluated: 2022-11-04. Review status: criteria provided, single submitter. Criteria: Invitae Variant Classification Sherloc (09022015). Collection method: clinical testing. Allele origin: germline.
Comment: In summary, the available evidence is currently insufficient to determine the role of this variant in disease. Therefore, it has been classified as a Variant of Uncertain Significance. This sequence change replaces glutamine, which is neutral and polar, with histidine, which is basic and polar, at codon 2751 of the PRKDC protein (p.Gln2751His). This variant is not present in population databases (gnomAD no frequency). This variant has not been reported in the literature in individuals affected with PRKDC-related conditions. Advanced modeling of protein sequence and biophysical properties (such as structural, functional, and spatial information, amino acid conservation, physicochemical variation, residue mobility, and thermodynamic stability) has been performed at Invitae for this missense variant, however the output from this modeling did not meet the statistical confidence thresholds required to predict the impact of this variant on PRKDC protein function.